The following is an entry in ClinVar:

NM_139315.3(TAF6):c.-31T>C

Gene: TAF6 (TATA-box binding protein associated factor 6; minus strand). Cytogenetic location: 7q22.1.
Variant type: single nucleotide variant.
Coding change: c.-31T>C on transcript NM_139315.3 (MANE Select); 31 bases upstream of the start codon, T replaced by C.
Molecular consequence: 5 prime UTR variant. On other transcripts: synonymous variant (2), non-coding transcript variant (1).
Genome position (GRCh38, 1-based): chr7:100,114,240, A>G on the plus strand (T>C on the coding strand, the complement: TAF6 is on the minus strand). VCF-style: chr7-100114240-A-G. GRCh37 (hg19) VCF-style: chr7-99711863-A-G.
Other names: c.81T>C, p.His27= (NM_001190415.2); c.-31T>C (NM_001364998.1, NM_001364999.1, NM_001365000.1 and 4 more transcripts); c.108T>C, p.His36= (NM_001365004.1).
Identifiers: ClinVar variation 3039809 (VCV003039809.2), dbSNP rs186672962, ClinGen allele CA4375818.

ClinVar aggregate classification (germline): Likely benign (0 of 4 stars; one submission).

Conditions:
TAF6-related disorder. Also called: TAF6-related condition.

Allele frequency attached by ClinVar (database versions not stated): ExAC 0.00038; gnomAD 0.00119; 1000 Genomes Project 0.00120; TOPMed 0.00120; 1000 Genomes Project 30x 0.00125; ESP Exome Variant Server 0.00138.
gnomAD v4.1: 361 of 1,613,672 alleles (0.022%); highest among the groups gnomAD compares: African/African-American, 0.39%; no homozygotes.

Submission:

PreventionGenetics, part of Exact Sciences
Classification: Likely benign for TAF6-related condition. Last evaluated: 2019-03-22. Review status: no assertion criteria provided. Collection method: clinical testing. Allele origin: germline.
Comment: This variant is classified as likely benign based on ACMG/AMP sequence variant interpretation guidelines (Richards et al. 2015 PMID: 25741868, with internal and published modifications).